The following is an entry in ClinVar:

ClinVar aggregate classification (germline): Uncertain significance (1 of 4 stars; one submission).

Conditions:
Wiskott-Aldrich syndrome 2 (WAS2). Also called: WIPF1 DEFICIENCY. Identifiers: Orphanet 906, MedGen C3281001, MONDO:0013779, OMIM 614493.

Allele frequency attached by ClinVar (database versions not stated): gnomAD 0.00001; gnomAD exomes 0.00001; TOPMed 0.00001.
gnomAD v4.1: 20 of 1,612,848 alleles (0.0012%); highest among the groups gnomAD compares: Admixed American, 0.0017%; no homozygotes.

Submission:

Labcorp Genetics (formerly Invitae), Labcorp
Classification: Uncertain significance for Wiskott-Aldrich syndrome 2. Last evaluated: 2022-07-23. Review status: criteria provided, single submitter. Criteria: Invitae Variant Classification Sherloc (09022015). Collection method: clinical testing. Allele origin: germline.
Comment: This sequence change replaces glycine, which is neutral and non-polar, with aspartic acid, which is acidic and polar, at codon 70 of the WIPF1 protein (p.Gly70Asp). This variant is present in population databases (rs768073064, gnomAD 0.04%). This variant has not been reported in the literature in individuals affected with WIPF1-related conditions. Algorithms developed to predict the effect of missense changes on protein structure and function are either unavailable or do not agree on the potential impact of this missense change (SIFT: "Not Available"; PolyPhen-2: "Benign"; Align-GVGD: "Not Available"). In summary, the available evidence is currently insufficient to determine the role of this variant in disease. Therefore, it has been classified as a Variant of Uncertain Significance.

NM_001375834.1(WIPF1):c.209G>A (p.Gly70Asp)

Genes: WIPF1 (WAS/WASL interacting protein family member 1; minus strand), WIPF1-AS1 (WIPF1 and CHRNA1 antisense RNA 1; plus strand). Cytogenetic location: 2q31.1.
Variant type: single nucleotide variant.
Coding change: c.209G>A on transcript NM_001375834.1 (MANE Select); coding-DNA position 209, G replaced by A.
Protein change: p.Gly70Asp; replaces glycine 70 with aspartic acid.
Molecular consequence: missense variant. On other transcripts: intron variant (1).
Genome position (GRCh38, 1-based): chr2:174,575,353, C>T on the plus strand (G>A on the coding strand, the complement: WIPF1 is on the minus strand). VCF-style: chr2-174575353-C-T. GRCh37 (hg19) VCF-style: chr2-175440081-C-T.
Other names: c.209G>A, p.Gly70Asp (NM_001077269.1, NM_001375832.1, NM_001375833.1 and 5 more transcripts); c.182-3108G>A (NM_001375839.1); short protein forms G70D.
Identifiers: ClinVar variation 2147525 (VCV002147525.1), dbSNP rs768073064, ClinGen allele CA60845898.